The following is an entry in ClinVar:

NM_001080449.3(DNA2):c.1873+4T>C

Gene: DNA2 (DNA replication helicase/nuclease 2; minus strand). Cytogenetic location: 10q21.3.
Variant type: single nucleotide variant.
Coding change: c.1873+4T>C on transcript NM_001080449.3 (MANE Select); 4 bases into the intron after coding-DNA position 1873, T replaced by C.
Molecular consequence: intron variant.
Genome position (GRCh38, 1-based): chr10:68,432,202, A>G on the plus strand (T>C on the coding strand, the complement: DNA2 is on the minus strand). VCF-style: chr10-68432202-A-G. GRCh37 (hg19) VCF-style: chr10-70191959-A-G.
Identifiers: ClinVar variation 3623740 (VCV003623740.2).

ClinVar aggregate classification (germline): Uncertain significance (1 of 4 stars; one submission).

Submission:

Labcorp Genetics (formerly Invitae), Labcorp
Classification: Uncertain significance. Last evaluated: 2024-08-05. Review status: criteria provided, single submitter. Criteria: Invitae Variant Classification Sherloc (09022015). Collection method: clinical testing. Allele origin: germline.
Comment: This sequence change falls in intron 12 of the DNA2 gene. It does not directly change the encoded amino acid sequence of the DNA2 protein. It affects a nucleotide within the consensus splice site. This variant is not present in population databases (gnomAD no frequency). This variant has not been reported in the literature in individuals affected with DNA2-related conditions. Variants that disrupt the consensus splice site are a relatively common cause of aberrant splicing (PMID: 17576681, 9536098). Algorithms developed to predict the effect of sequence changes on RNA splicing suggest that this variant is not likely to affect RNA splicing. In summary, the available evidence is currently insufficient to determine the role of this variant in disease. Therefore, it has been classified as a Variant of Uncertain Significance.

Literature cited by the submitters: PubMed 17576681; PubMed 9536098.